The following is an entry in ClinVar:

NM_017780.4(CHD7):c.4862G>A (p.Trp1621Ter)

Gene: CHD7 (chromodomain helicase DNA binding protein 7; plus strand). Cytogenetic location: 8q12.2.
Variant type: single nucleotide variant.
Coding change: c.4862G>A on transcript NM_017780.4 (MANE Select); coding-DNA position 4862, G replaced by A.
Protein change: p.Trp1621Ter; replaces tryptophan 1621 with a stop codon.
Molecular consequence: nonsense. On other transcripts: intron variant (1).
Genome position (GRCh38, 1-based): chr8:60,844,875, G>A. VCF-style: chr8-60844875-G-A. GRCh37 (hg19) VCF-style: chr8-61757434-G-A.
Other names: c.1717-17354G>A (NM_001316690.1); short protein forms W1621*.
Identifiers: ClinVar variation 3340570 (VCV003340570.1).
Genomic context (GRCh38, chr8:60,844,875, plus strand): 5'-TAAATCAAAACTCACAGGCACCTCTGCATGCTGGATATTTGCTTTGCAGTTGGGGACGGT[G>A]GACAGACATTCTTTCCCACGGACGCTATAAACGCCAACTCACTGAGCAAGATGTAGAAAC-3'

ClinVar aggregate classification (germline): Pathogenic (1 of 4 stars; one submission).

Submission:

GeneDx
Classification: Pathogenic. Last evaluated: 2024-03-12. Review status: criteria provided, single submitter. Criteria: GeneDx Variant Classification Process June 2021. Collection method: clinical testing. Allele origin: germline. Affected: yes.
Comment: Reported in a patient with CHARGE syndrome in published literature; clinical details not provided (PMID: 29304373); Nonsense variant predicted to result in protein truncation or nonsense mediated decay in a gene for which loss of function is a known mechanism of disease; Not observed at significant frequency in large population cohorts (gnomAD); This variant is associated with the following publications: (PMID: 29304373)